The following is an entry in ClinVar:

ClinVar aggregate classification (germline): Benign/Likely benign. Review status: criteria provided, multiple submitters, no conflicts (2 of 4 stars). 6 submissions from 6 submitters: Benign (1); Likely benign (5). Last evaluated 2026-06-01.

Conditions:
Cardiovascular phenotype. Identifiers: MedGen CN230736.

Allele frequency attached by ClinVar (database versions not stated): 1000 Genomes Project 30x 0.00016.
gnomAD v4.1: 230 of 1,613,430 alleles (0.014%); highest among the groups gnomAD compares: Admixed American, 0.37%; 5 homozygotes.

Submissions (6):

CeGaT Center for Human Genetics Tuebingen
Classification: Likely benign. Last evaluated: 2026-06-01. Review status: criteria provided, single submitter. Criteria: CeGaT Center For Human Genetics Tuebingen Variant Classification Criteria Version 2. Collection method: clinical testing. Allele origin: germline. Affected: yes. Observed: 2 variant alleles.
Comment: TNXB: BS2

Labcorp Genetics (formerly Invitae), Labcorp
Classification: Benign. Last evaluated: 2026-02-04. Review status: criteria provided, single submitter. Criteria: Invitae Variant Classification Sherloc (09022015). Collection method: clinical testing. Allele origin: germline.

Mayo Clinic Laboratories, Mayo Clinic
Classification: Likely benign. Last evaluated: 2025-10-18. Review status: criteria provided, single submitter. Criteria: ACMG Guidelines, 2015. Collection method: clinical testing. Allele origin: germline. Observed: 1 variant allele.
Comment: BS1, BS2_supporting

Women's Health and Genetics/Laboratory Corporation of America, LabCorp
Classification: Likely benign. Last evaluated: 2024-12-02. Review status: criteria provided, single submitter. Criteria: LabCorp Variant Classification Summary - May 2015. Collection method: clinical testing. Allele origin: germline.
Comment: Variant summary: TNXB c.6400G>C (p.Gly2134Arg) results in a non-conservative amino acid change located in the Fibronectin type 3 domain (IPR003961) of the encoded protein sequence. Three of five in-silico tools predict a benign effect of the variant on protein function. The variant allele was found at a frequency of 0.00075 in 248822 control chromosomes, predominantly at a frequency of 0.0054 within the Latino subpopulation in the gnomAD database, including 5 homozygotes. The observed variant frequency within Latino control individuals in the gnomAD database is approximately 4.8 fold of the estimated maximal expected allele frequency for a pathogenic variant in TNXB causing Ehlers-Danlos syndrome due to tenascin-X deficiency phenotype (0.0011), suggesting the variant is benign. To our knowledge, no occurrence of c.6400G>C in individuals affected with Ehlers-Danlos syndrome due to tenascin-X deficiency and no experimental evidence demonstrating its impact on protein function have been reported. ClinVar contains an entry for this variant (Variation ID: 1223473). Based on the evidence outlined above, the variant was classified as likely benign.

Ambry Genetics
Classification: Likely benign for Cardiovascular phenotype. Last evaluated: 2022-08-01. Review status: criteria provided, single submitter. Criteria: Ambry Variant Classification Scheme 2023. Collection method: clinical testing. Allele origin: germline.

GeneDx
Classification: Likely benign. Last evaluated: 2020-12-10. Review status: criteria provided, single submitter. Criteria: GeneDx Variant Classification Process June 2021. Collection method: clinical testing. Allele origin: germline. Affected: yes.

NM_001365276.2(TNXB):c.6400G>C (p.Gly2134Arg)

Gene: TNXB (tenascin XB; minus strand). Cytogenetic location: 6p21.33.
Variant type: single nucleotide variant.
Coding change: c.6400G>C on transcript NM_001365276.2 (MANE Select); coding-DNA position 6400, G replaced by C.
Protein change: p.Gly2134Arg; replaces glycine 2134 with arginine.
Molecular consequence: missense variant.
Genome position (GRCh38, 1-based): chr6:32,067,805, C>G on the plus strand (G>C on the coding strand, the complement: TNXB is on the minus strand). VCF-style: chr6-32067805-C-G. GRCh37 (hg19) VCF-style: chr6-32035582-C-G.
Other names: p.Gly2134Arg; c.6400G>C, p.Gly2134Arg (NM_019105.8); short protein forms G2134R.
Identifiers: ClinVar variation 1223473 (VCV001223473.10), dbSNP rs763024425, ClinGen allele CA3734444.
Genomic context (GRCh38, chr6:32,067,805, plus strand): 5'-CCAGGCCCCCCACGGTGACTTCACTCTCCTCGCCCCCAACACGCACCACCTGGGGCCGCC[C>G]GTCCCTGTCCTTGTACTGCACGGTGAAGGAGTCGAAGCGGCCCTGGGGGACGGTCCAGGA-3'
Protein context (NP_001352205.1, residues 2124-2144): SFTVQYKDRD[Gly2134Arg]RPQVVRVGGE